The following is an entry in ClinVar:

ClinVar aggregate classification (germline): Pathogenic. Review status: criteria provided, multiple submitters, no conflicts (2 of 4 stars). 2 submissions from 2 submitters: Pathogenic (2). Last evaluated 2023-08-23.

Conditions:
Mitochondrial trifunctional protein deficiency. Identifiers: Orphanet 746, MedGen C1969443, MONDO:0012172.

Submissions (2):

Baylor Genetics
Classification: Pathogenic for Mitochondrial trifunctional protein deficiency 1. Last evaluated: 2023-08-23. Review status: criteria provided, single submitter. Criteria: ACMG Guidelines, 2015. Collection method: clinical testing. Allele origin: unknown.

GeneDx
Classification: Pathogenic. Last evaluated: 2017-03-09. Review status: criteria provided, single submitter. Criteria: GeneDx Variant Classification (06012015). Collection method: clinical testing. Allele origin: germline. Affected: yes.
Comment: The c.1211dupG frameshift variant has not been published as a pathogenic variant or as a benignvariant to our knowledge. The c.1211dupG variant results in the normal codon, Arginine 405, beingreplaced by a Stop codon, denoted p.R405X. This variant is predicted to cause loss of normal proteinfunction either through protein truncation or nonsense-mediated mRNA decay. The c.1211dupGvariant was not observed in approximately 6500 individuals of European and African Americanancestry in the NHLBI Exome Sequencing Project, indicating it is not a common benign variant inthese populations. In summary, we interpret c.1211dupG to be a pathogenic variant.

NM_000183.3(HADHB):c.1211dup (p.Gly404_Arg405insTer)

Gene: HADHB (hydroxyacyl-CoA dehydrogenase trifunctional multienzyme complex subunit beta; plus strand). Cytogenetic location: 2p23.3.
Variant type: Duplication.
Coding change: c.1211dup on transcript NM_000183.3 (MANE Select); coding-DNA position 1211, one base duplicated (G; older notation c.1211dupG).
Protein change: p.Gly404_Arg405insTer.
Molecular consequence: frameshift variant.
Genome position (GRCh38, 1-based): chr2:26,284,944, G duplicated; the last of 3 consecutive G bases (chr2:26,284,942-26,284,944); duplicating any one gives the same sequence. VCF-style (leftmost placement, unchanged base first): chr2-26284941-T-TG. GRCh37 (hg19) VCF-style: chr2-26507809-T-TG.
Other names: c.1166dup, p.Gly389_Arg390insTer (NM_001281512.2); c.1145dup, p.Gly382_Arg383insTer (NM_001281513.2).
Identifiers: ClinVar variation 424253 (VCV000424253.3), dbSNP rs1553323072, ClinGen allele CA16617521.